The following is an entry in ClinVar:

ClinVar aggregate classification (germline): Uncertain significance (1 of 4 stars; one submission).

Allele frequency attached by ClinVar (database versions not stated): ExAC 0.00001; gnomAD 0.00001; TOPMed 0.00001.
gnomAD v4.1: 10 of 1,613,962 alleles (0.00062%); highest among the groups gnomAD compares: Middle Eastern, 0.016%; no homozygotes.

Submission:

Labcorp Genetics (formerly Invitae), Labcorp
Classification: Uncertain significance. Last evaluated: 2023-07-10. Review status: criteria provided, single submitter. Criteria: Invitae Variant Classification Sherloc (09022015). Collection method: clinical testing. Allele origin: germline.
Comment: This sequence change replaces glycine, which is neutral and non-polar, with arginine, which is basic and polar, at codon 1009 of the EGF protein (p.Gly1009Arg). This variant is present in population databases (rs775725663, gnomAD 0.003%). This variant has not been reported in the literature in individuals affected with EGF-related conditions. An algorithm developed to predict the effect of missense changes on protein structure and function (PolyPhen-2) suggests that this variant is likely to be disruptive. In summary, the available evidence is currently insufficient to determine the role of this variant in disease. Therefore, it has been classified as a Variant of Uncertain Significance.

NM_001963.6(EGF):c.3025G>A (p.Gly1009Arg)

Gene: EGF (epidermal growth factor; plus strand). Cytogenetic location: 4q25.
Variant type: single nucleotide variant.
Coding change: c.3025G>A on transcript NM_001963.6 (MANE Select); coding-DNA position 3025, G replaced by A.
Protein change: p.Gly1009Arg; replaces glycine 1009 with arginine.
Molecular consequence: missense variant.
Genome position (GRCh38, 1-based): chr4:109,999,698, G>A. VCF-style: chr4-109999698-G-A. GRCh37 (hg19) VCF-style: chr4-110920854-G-A.
Other names: c.2902G>A, p.Gly968Arg (NM_001178130.3); c.2899G>A, p.Gly967Arg (NM_001178131.3); c.2656G>A, p.Gly886Arg (NM_001357021.2); short protein forms G967R, G1009R, G968R, G886R.
Identifiers: ClinVar variation 2965046 (VCV002965046.3), dbSNP rs775725663, ClinGen allele CA3044156.